The following is an entry in ClinVar:

ClinVar aggregate classification (germline): Uncertain significance (1 of 4 stars; one submission).

Conditions:
Hereditary cancer-predisposing syndrome. Also called: Neoplastic Syndromes, Hereditary; Tumor predisposition; Hereditary Cancer Syndrome; Hereditary neoplastic syndrome. Identifiers: Orphanet 140162, MedGen C0027672, MeSH D009386, MONDO:0015356.

Submission:

Ambry Genetics
Classification: Uncertain significance for Hereditary cancer-predisposing syndrome. Last evaluated: 2026-03-27. Review status: criteria provided, single submitter. Criteria: Ambry Variant Classification Scheme 2023. Collection method: clinical testing. Allele origin: germline.
Comment: The c.2388+5G>T intronic variant results from a G to T substitution 5 nucleotides after coding exon 18 in the POLD1 gene. This nucleotide position is well conserved in available vertebrate species. In silico splice site analysis predicts that this alteration may result in the creation or strengthening of a novel splice donor site. Based on the available evidence, the clinical significance of this variant remains unclear.

NM_002691.4(POLD1):c.2388+5G>T

Gene: POLD1 (DNA polymerase delta 1, catalytic subunit; plus strand). Cytogenetic location: 19q13.33.
Variant type: single nucleotide variant.
Coding change: c.2388+5G>T on transcript NM_002691.4 (MANE Select); 5 bases into the intron after coding-DNA position 2388, G replaced by T.
Molecular consequence: intron variant.
Genome position (GRCh38, 1-based): chr19:50,413,884, G>T. VCF-style: chr19-50413884-G-T. GRCh37 (hg19) VCF-style: chr19-50917141-G-T.
Other names: c.2388+5G>T (NM_001256849.1, NM_001438212.1, NM_001438213.1); c.2316+5G>T (NM_001438210.1, NM_001438211.1); c.2466+5G>T (NM_001308632.1).
Identifiers: ClinVar variation 4862167 (VCV004862167.1).
Genomic context (GRCh38, chr19:50,413,884, plus strand): 5'-CCGCGGACTGGGTGTCAGGTCACTTCCCGTCGCCCATCCGGCTGGAGTTTGAGAAGGTGC[G>T]TGGCTGGGTCAGGGGCTCTGCATTTAGGTGCCCTCATCAGGGTACTCAGGGTGTCCCGTT-3'